The following is an entry in ClinVar:

NM_020435.4(GJC2):c.661G>T (p.Ala221Ser)

Gene: GJC2 (gap junction protein gamma 2; plus strand). Cytogenetic location: 1q42.13.
Variant type: single nucleotide variant.
Coding change: c.661G>T on transcript NM_020435.4 (MANE Select); coding-DNA position 661, G replaced by T.
Protein change: p.Ala221Ser; replaces alanine 221 with serine.
Molecular consequence: missense variant.
Genome position (GRCh38, 1-based): chr1:228,158,419, G>T. VCF-style: chr1-228158419-G-T. GRCh37 (hg19) VCF-style: chr1-228346120-G-T.
Other names: short protein forms A221S.
Identifiers: ClinVar variation 1446406 (VCV001446406.6), dbSNP rs767296387, ClinGen allele CA1430896.

ClinVar aggregate classification (germline): Uncertain significance (1 of 4 stars; one submission).

Conditions:
Spastic paraplegia. Identifiers: MedGen C0037772, HP:0001258.

Allele frequency attached by ClinVar (database versions not stated): gnomAD exomes below 0.00001; ExAC 0.00001.

Submission:

Labcorp Genetics (formerly Invitae), Labcorp
Classification: Uncertain significance for Spastic paraplegia. Last evaluated: 2022-08-10. Review status: criteria provided, single submitter. Criteria: Invitae Variant Classification Sherloc (09022015). Collection method: clinical testing. Allele origin: germline.
Comment: Algorithms developed to predict the effect of sequence changes on RNA splicing suggest that this variant may create or strengthen a splice site. Algorithms developed to predict the effect of missense changes on protein structure and function (SIFT, PolyPhen-2, Align-GVGD) all suggest that this variant is likely to be disruptive. ClinVar contains an entry for this variant (Variation ID: 1446406). This variant has not been reported in the literature in individuals affected with GJC2-related conditions. The frequency data for this variant in the population databases is considered unreliable, as metrics indicate poor data quality at this position in the gnomAD database. This sequence change replaces alanine, which is neutral and non-polar, with serine, which is neutral and polar, at codon 221 of the GJC2 protein (p.Ala221Ser). In summary, the available evidence is currently insufficient to determine the role of this variant in disease. Therefore, it has been classified as a Variant of Uncertain Significance.